The following is an entry in ClinVar:

NM_001130987.2(DYSF):c.1057C>T (p.Leu353=)

Gene: DYSF (dysferlin; plus strand). Cytogenetic location: 2p13.2.
Variant type: single nucleotide variant.
Coding change: c.1057C>T on transcript NM_001130987.2 (MANE Select); coding-DNA position 1057, C replaced by T.
Protein change: p.Leu353=; no amino-acid change (leucine 353 retained).
Molecular consequence: synonymous variant.
Genome position (GRCh38, 1-based): chr2:71,520,812, C>T. VCF-style: chr2-71520812-C-T. GRCh37 (hg19) VCF-style: chr2-71747942-C-T.
Other names: c.1057C>T, p.Leu353= (NM_001130985.2, NM_001130982.2); c.964C>T, p.Leu322= (NM_001130986.2, NM_001130455.2, NM_001130983.2 and 1 more transcripts); c.961C>T, p.Leu321= (NM_001130976.2, NM_001130977.2, NM_001130978.2 and 1 more transcripts); c.1054C>T, p.Leu352= (NM_001130979.2, NM_001130980.2, NM_001130981.2); c.961C>T (NM_003494.3).
Identifiers: ClinVar variation 1131218 (VCV001131218.10), dbSNP rs752460236, ClinGen allele CA49763076.
Genomic context (GRCh38, chr2:71,520,812, plus strand): 5'-TGATTCTGGGATCACCAGAGGATGTTGTCTCTCTTAGGGCACGCCTATCTCAGGAAGTGG[C>T]TGCTGCTCTCAGACCCTGATGACTTCTCTGCTGGGGCCAGAGGCTACCTGAAAACAAGCC-3'
Protein context (NP_001124459.1, residues 343-363): EPRHAYLRKW[Leu353=]LLSDPDDFSA

ClinVar aggregate classification (germline): Likely benign. Review status: criteria provided, single submitter (1 of 4 stars). 2 submissions from 2 submitters: Likely benign (1). 1 of the submissions does not count toward it. Last evaluated 2022-01-28.

Conditions:
DYSF-related disorder. Also called: DYSF-related disorders; DYSF-related condition.
Neuromuscular disease caused by qualitative or quantitative defects of dysferlin. Also called: Qualitative or quantitative defects of dysferlin; Dysferlinopathy. Identifiers: Orphanet 207073, MedGen C2931687, MONDO:0016145.

Allele frequency attached by ClinVar (database versions not stated): gnomAD exomes 0.00001.
gnomAD v4.1: 11 of 1,613,946 alleles (0.00068%); highest among the groups gnomAD compares: African/African-American, 0.0013%; no homozygotes.

Submissions (2):

Labcorp Genetics (formerly Invitae), Labcorp
Classification: Likely benign for Neuromuscular disease caused by qualitative or quantitative defects of dysferlin. Last evaluated: 2022-01-28. Review status: criteria provided, single submitter. Criteria: Invitae Variant Classification Sherloc (09022015). Collection method: clinical testing. Allele origin: germline.

PreventionGenetics, part of Exact Sciences
Classification: Likely benign for DYSF-related condition. Last evaluated: 2019-06-11. Review status: no assertion criteria provided. Collection method: clinical testing. Allele origin: germline. Not counted in ClinVar's aggregate classification.
Comment: This variant is classified as likely benign based on ACMG/AMP sequence variant interpretation guidelines (Richards et al. 2015 PMID: 25741868, with internal and published modifications).